The following is an entry in ClinVar:

NM_000287.4(PEX6):c.1012G>A (p.Asp338Asn)

Gene: PEX6 (peroxisomal biogenesis factor 6; minus strand). Cytogenetic location: 6p21.1.
Variant type: single nucleotide variant.
Coding change: c.1012G>A on transcript NM_000287.4 (MANE Select); coding-DNA position 1012, G replaced by A.
Protein change: p.Asp338Asn; replaces aspartic acid 338 with asparagine.
Molecular consequence: missense variant. On other transcripts: non-coding transcript variant (1).
Genome position (GRCh38, 1-based): chr6:42,974,909, C>T on the plus strand (G>A on the coding strand, the complement: PEX6 is on the minus strand). VCF-style: chr6-42974909-C-T. GRCh37 (hg19) VCF-style: chr6-42942647-C-T.
Other names: c.748G>A, p.Asp250Asn (NM_001316313.2); short protein forms D250N, D338N.
Identifiers: ClinVar variation 1441854 (VCV001441854.6), dbSNP rs2150236006, ClinGen allele CA364159536.

ClinVar aggregate classification (germline): Uncertain significance (1 of 4 stars; one submission).

Conditions:
Peroxisome biogenesis disorder. Identifiers: Orphanet 79189, MedGen C1832200, MONDO:0019234. Disease mechanism: loss of function.

gnomAD v4.1: 2 of 1,614,072 alleles (0.00012%); highest among the groups gnomAD compares: East Asian, 0.0022%; no homozygotes.

Submission:

Labcorp Genetics (formerly Invitae), Labcorp
Classification: Uncertain significance for Peroxisome biogenesis disorder. Last evaluated: 2022-07-12. Review status: criteria provided, single submitter. Criteria: Invitae Variant Classification Sherloc (09022015). Collection method: clinical testing. Allele origin: germline.
Comment: This variant has not been reported in the literature in individuals affected with PEX6-related conditions. In summary, the available evidence is currently insufficient to determine the role of this variant in disease. Therefore, it has been classified as a Variant of Uncertain Significance. Algorithms developed to predict the effect of missense changes on protein structure and function (SIFT, PolyPhen-2, Align-GVGD) all suggest that this variant is likely to be tolerated. ClinVar contains an entry for this variant (Variation ID: 1441854). This variant is not present in population databases (gnomAD no frequency). This sequence change replaces aspartic acid, which is acidic and polar, with asparagine, which is neutral and polar, at codon 338 of the PEX6 protein (p.Asp338Asn).